The following is an entry in ClinVar:

ClinVar aggregate classification (germline): Uncertain significance (1 of 4 stars; one submission).

Conditions:
Cardiovascular phenotype. Identifiers: MedGen CN230736.

Allele frequency attached by ClinVar (database versions not stated): TOPMed below 0.00001.

Submission:

Ambry Genetics
Classification: Uncertain significance for Cardiovascular phenotype. Last evaluated: 2023-09-06. Review status: criteria provided, single submitter. Criteria: Ambry Variant Classification Scheme 2023. Collection method: clinical testing. Allele origin: germline.
Comment: The p.I233N variant (also known as c.698T>A), located in coding exon 1 of the ALPK3 gene, results from a T to A substitution at nucleotide position 698. The isoleucine at codon 233 is replaced by asparagine, an amino acid with dissimilar properties. This amino acid position is poorly conserved in available vertebrate species. In addition, this alteration is predicted to be tolerated by in silico analysis. Since supporting evidence is limited at this time, the clinical significance of this alteration remains unclear.

NM_020778.5(ALPK3):c.92T>A (p.Ile31Asn)

Gene: ALPK3 (alpha kinase 3; plus strand). Cytogenetic location: 15q25.3.
Variant type: single nucleotide variant.
Coding change: c.92T>A on transcript NM_020778.5 (MANE Select); coding-DNA position 92, T replaced by A.
Protein change: p.Ile31Asn; replaces isoleucine 31 with asparagine.
Molecular consequence: missense variant.
Genome position (GRCh38, 1-based): chr15:84,817,544, T>A. VCF-style: chr15-84817544-T-A. GRCh37 (hg19) VCF-style: chr15-85360775-T-A.
Other names: short protein forms I31N.
Identifiers: ClinVar variation 2625927 (VCV002625927.2), dbSNP rs1963374751, ClinGen allele CA393369452.
Genomic context (GRCh38, chr15:84,817,544, plus strand): 5'-GGGGCGCGGGTGGGCGGTCGGGGGCGGGGGGCGACGGTGAGGACGACGGCCCCGTGTGGA[T>A]CCCCAGCCCAGCCAGCCGGAGCTACCTGCTCAGCGTGCGGCCCGAGACCAGGTAAGTGGC-3'
Protein context (NP_065829.4, residues 21-41): GDGEDDGPVW[Ile31Asn]PSPASRSYLL